The following is an entry in ClinVar:

ClinVar aggregate classification (germline): Uncertain significance (1 of 4 stars; one submission).

Submission:

Labcorp Genetics (formerly Invitae), Labcorp
Classification: Uncertain significance. Last evaluated: 2024-09-25. Review status: criteria provided, single submitter. Criteria: Invitae Variant Classification Sherloc (09022015). Collection method: clinical testing. Allele origin: germline.
Comment: This sequence change replaces glycine, which is neutral and non-polar, with cysteine, which is neutral and slightly polar, at codon 1096 of the COL11A1 protein (p.Gly1096Cys). The frequency data for this variant in the population databases is considered unreliable, as metrics indicate poor data quality at this position in the gnomAD database. This variant has not been reported in the literature in individuals affected with COL11A1-related conditions. Invitae Evidence Modeling of protein sequence and biophysical properties (such as structural, functional, and spatial information, amino acid conservation, physicochemical variation, residue mobility, and thermodynamic stability) has been performed for this missense variant. However, the output from this modeling did not meet the statistical confidence thresholds required to predict the impact of this variant on COL11A1 protein function. In summary, the available evidence is currently insufficient to determine the role of this variant in disease. Therefore, it has been classified as a Variant of Uncertain Significance.

NM_001854.4(COL11A1):c.3286G>T (p.Gly1096Cys)

Gene: COL11A1 (collagen type XI alpha 1 chain; minus strand). Cytogenetic location: 1p21.1.
Variant type: single nucleotide variant.
Coding change: c.3286G>T on transcript NM_001854.4 (MANE Select); coding-DNA position 3286, G replaced by T.
Protein change: p.Gly1096Cys; replaces glycine 1096 with cysteine.
Molecular consequence: missense variant. On other transcripts: non-coding transcript variant (1).
Genome position (GRCh38, 1-based): chr1:102,940,425, C>A on the plus strand (G>T on the coding strand, the complement: COL11A1 is on the minus strand). VCF-style: chr1-102940425-C-A. GRCh37 (hg19) VCF-style: chr1-103405981-C-A.
Other names: c.3169G>T, p.Gly1057Cys (NM_001190709.2); c.3322G>T, p.Gly1108Cys (NM_080629.3); c.2938G>T, p.Gly980Cys (NM_080630.4); short protein forms G980C, G1108C, G1057C, G1096C.
Identifiers: ClinVar variation 3680463 (VCV003680463.2).